The following is an entry in ClinVar:

ClinVar aggregate classification (germline): Uncertain significance. Review status: criteria provided, single submitter (1 of 4 stars). 2 submissions from 2 submitters: Uncertain significance (1). 1 of the submissions does not count toward it. Last evaluated 2019-01-07.

Conditions:
Dystrophin deficiency.
Duchenne muscular dystrophy (DMD). Also called: Duchenne Muscular Dystrophy (DMD); MUSCULAR DYSTROPHY, PSEUDOHYPERTROPHIC PROGRESSIVE, DUCHENNE TYPE. Identifiers: Orphanet 98896, MedGen C0013264, MONDO:0010679, OMIM 310200.
Cardiomyopathy (CMYO). Also called: Cardiomyopathies. Identifiers: Orphanet 167848, MedGen C0878544, MONDO:0004994, HP:0001638. Inheritance: Various modes of inheritance.
Becker muscular dystrophy (BMD). Also called: Becker Muscular Dystrophy (BMD); MUSCULAR DYSTROPHY, PSEUDOHYPERTROPHIC PROGRESSIVE, BECKER TYPE. Identifiers: Orphanet 98895, MedGen C0917713, MONDO:0010311, OMIM 300376.

gnomAD v4.1: 2 of 1,209,549 alleles (0.00017%); highest among the groups gnomAD compares: Admixed American, 0.0044%; no homozygotes.

Submissions (2):

ARUP Laboratories, Molecular Genetics and Genomics, ARUP Laboratories
Classification: Uncertain significance. Last evaluated: 2019-01-07. Review status: criteria provided, single submitter. Criteria: ARUP Molecular Germline Variant Investigation Process. Collection method: clinical testing. Allele origin: germline.
Comment: The DMD c.10661G>T; p.Arg3554Leu variant (rs199974153), to our knowledge, is not reported in the medical literature or gene specific databases. This variant is found in the Latino population with an overall allele frequency of 0.007% (2/27409 alleles, including one hemizygote) in the Genome Aggregation Database. The arginine at codon 3554 is highly conserved, and computational analyses (SIFT, PolyPhen-2) predict that this variant is deleterious. However, given the lack of clinical and functional data, the significance of the p.Arg3554Leu variant is uncertain at this time.

Natera, Inc.
Classification: Uncertain significance for Becker muscular dystrophy; Cardiomyopathy; Duchenne muscular dystrophy; Dystrophin deficiency. Last evaluated: 2019-07-29. Review status: no assertion criteria provided. Collection method: clinical testing. Allele origin: germline. Not counted in ClinVar's aggregate classification.

NM_004006.3(DMD):c.10661G>T (p.Arg3554Leu)

Gene: DMD (dystrophin; minus strand). Cytogenetic location: Xp21.2.
Variant type: single nucleotide variant.
Coding change: c.10661G>T on transcript NM_004006.3 (MANE Select); coding-DNA position 10661, G replaced by T.
Protein change: p.Arg3554Leu; replaces arginine 3554 with leucine.
Molecular consequence: missense variant.
Genome position (GRCh38, 1-based): chrX:31,147,411, C>A on the plus strand (G>T on the coding strand, the complement: DMD is on the minus strand). VCF-style: chrX-31147411-C-A. GRCh37 (hg19) VCF-style: chrX-31165528-C-A.
Other names: c.10637G>T, p.Arg3546Leu (NM_000109.4); c.10649G>T, p.Arg3550Leu (NM_004009.3); c.10292G>T, p.Arg3431Leu (NM_004010.3); c.6638G>T, p.Arg2213Leu (NM_004011.4); c.6629G>T, p.Arg2210Leu (NM_004012.4); c.3281G>T, p.Arg1094Leu (NM_004013.3, NM_004021.3); c.2474G>T, p.Arg825Leu (NM_004014.3); c.1457G>T, p.Arg486Leu (NM_004015.3, NM_004016.3); and 3 more; short protein forms R1081L, R1094L, R2210L, R2213L, R3431L, R3546L, R3550L, R3554L.
Identifiers: ClinVar variation 811256 (VCV000811256.9), dbSNP rs199974153, ClinGen allele CA10377550.
Genomic context (GRCh38, chrX:31,147,411, plus strand): 5'-GCTTCCAGGCGGCCTTTGTGTTGACGCAGTAGCTTGGCCTCAGCAATGAGCTCAGCATCC[C>A]GGGGACTCTGGGGAGAGGTGGGCATCATTTCAGGAGGGGACGGCAGTGGGGACAGGCCTT-3'
Protein context (NP_003997.2, residues 3544-3564): EMMPTSPQSP[Arg3554Leu]DAELIAEAKL